The following is an entry in ClinVar:

ClinVar aggregate classification (germline): Uncertain significance (1 of 4 stars; one submission).

gnomAD v4.1: 1 of 1,613,220 alleles (0.000062%); highest among the groups gnomAD compares: Non-Finnish European, 0.000085%; no homozygotes.

Submission:

GeneDx
Classification: Uncertain significance. Last evaluated: 2024-12-21. Review status: criteria provided, single submitter. Criteria: GeneDx Variant Classification Process June 2021. Collection method: clinical testing. Allele origin: germline. Affected: yes.
Comment: Not observed at significant frequency in large population cohorts (gnomAD); In silico analysis indicates that this missense variant does not alter protein structure/function; Has not been previously published as pathogenic or benign to our knowledge

NM_001349253.2(SCN11A):c.1702A>G (p.Lys568Glu)

Gene: SCN11A (sodium voltage-gated channel alpha subunit 11; minus strand). Cytogenetic location: 3p22.2.
Variant type: single nucleotide variant.
Coding change: c.1702A>G on transcript NM_001349253.2 (MANE Select); coding-DNA position 1702, A replaced by G.
Protein change: p.Lys568Glu; replaces lysine 568 with glutamic acid.
Molecular consequence: missense variant.
Genome position (GRCh38, 1-based): chr3:38,904,005, T>C on the plus strand (A>G on the coding strand, the complement: SCN11A is on the minus strand). VCF-style: chr3-38904005-T-C. GRCh37 (hg19) VCF-style: chr3-38945496-T-C.
Other names: c.1702A>G, p.Lys568Glu (NM_014139.3); short protein forms K568E.
Identifiers: ClinVar variation 3906279 (VCV003906279.1).